The following is an entry in ClinVar:

ClinVar aggregate classification (germline): Uncertain significance. Review status: criteria provided, multiple submitters, no conflicts (2 of 4 stars). 2 submissions from 2 submitters: Uncertain significance (2). Last evaluated 2024-04-05.

Conditions:
Inborn genetic diseases. Identifiers: MedGen C0950123, MeSH D030342.

Allele frequency attached by ClinVar (database versions not stated): ExAC 0.00001; gnomAD 0.00001; gnomAD exomes 0.00001; TOPMed 0.00001.
gnomAD v4.1: 10 of 1,613,948 alleles (0.00062%); highest among the groups gnomAD compares: African/African-American, 0.0013%; no homozygotes.

Submissions (2):

Labcorp Genetics (formerly Invitae), Labcorp
Classification: Uncertain significance. Last evaluated: 2024-04-05. Review status: criteria provided, single submitter. Criteria: Invitae Variant Classification Sherloc (09022015). Collection method: clinical testing. Allele origin: germline.
Comment: This sequence change replaces valine, which is neutral and non-polar, with methionine, which is neutral and non-polar, at codon 296 of the ACO2 protein (p.Val296Met). This variant is present in population databases (rs777890868, gnomAD 0.007%). This variant has not been reported in the literature in individuals affected with ACO2-related conditions. Advanced modeling of protein sequence and biophysical properties (such as structural, functional, and spatial information, amino acid conservation, physicochemical variation, residue mobility, and thermodynamic stability) performed at Invitae indicates that this missense variant is not expected to disrupt ACO2 protein function with a negative predictive value of 80%. In summary, the available evidence is currently insufficient to determine the role of this variant in disease. Therefore, it has been classified as a Variant of Uncertain Significance.

Ambry Genetics
Classification: Uncertain significance for Inborn genetic diseases. Last evaluated: 2023-12-08. Review status: criteria provided, single submitter. Criteria: Ambry Variant Classification Scheme 2023. Collection method: clinical testing. Allele origin: germline.

NM_001098.3(ACO2):c.886G>A (p.Val296Met)

Gene: ACO2 (aconitase 2; plus strand). Cytogenetic location: 22q13.2.
Variant type: single nucleotide variant.
Coding change: c.886G>A on transcript NM_001098.3 (MANE Select); coding-DNA position 886, G replaced by A.
Protein change: p.Val296Met; replaces valine 296 with methionine.
Molecular consequence: missense variant.
Genome position (GRCh38, 1-based): chr22:41,517,577, G>A. VCF-style: chr22-41517577-G-A. GRCh37 (hg19) VCF-style: chr22-41913581-G-A.
Other names: c.886G>A (NM_001098.2); short protein forms V296M.
Identifiers: ClinVar variation 2957141 (VCV002957141.4), dbSNP rs777890868, ClinGen allele CA10257490.
Genomic context (GRCh38, chr22:41,517,577, plus strand): 5'-TGCTCCACAGGCATGGCGACAATCTGCAACATGGGTGCAGAAATTGGGGCCACCACTTCC[G>A]TGTTCCCTTACAACCACAGGATGAAGAAGTACCTGAGCAAGACCGGCCGGGAAGGTGAGC-3'
Protein context (NP_001089.1, residues 286-306): MGAEIGATTS[Val296Met]FPYNHRMKKY